The following is an entry in ClinVar:

NM_000388.4(CASR):c.1522G>A (p.Val508Ile)

Gene: CASR (calcium sensing receptor; plus strand). Cytogenetic location: 3q21.1.
Variant type: single nucleotide variant.
Coding change: c.1522G>A on transcript NM_000388.4 (MANE Select); coding-DNA position 1522, G replaced by A.
Protein change: p.Val508Ile; replaces valine 508 with isoleucine.
Molecular consequence: missense variant.
Genome position (GRCh38, 1-based): chr3:122,275,956, G>A. VCF-style: chr3-122275956-G-A. GRCh37 (hg19) VCF-style: chr3-121994803-G-A.
Other names: c.1522G>A, p.Val508Ile (NM_001178065.2); short protein forms V508I.
Identifiers: ClinVar variation 1774463 (VCV001774463.3), dbSNP rs755752235, ClinGen allele CA2569672.

ClinVar aggregate classification (germline): Uncertain significance. Review status: criteria provided, multiple submitters, no conflicts (2 of 4 stars). 2 submissions from 2 submitters: Uncertain significance (2). Last evaluated 2023-09-19.

Conditions:
Nephrolithiasis/nephrocalcinosis. Identifiers: MedGen CN580796.

Allele frequency attached by ClinVar (database versions not stated): ExAC 0.00001.
gnomAD v4.1: 5 of 1,614,124 alleles (0.00031%); highest among the groups gnomAD compares: South Asian, 0.0033%; no homozygotes.

Submissions (2):

Women's Health and Genetics/Laboratory Corporation of America, LabCorp
Classification: Uncertain significance. Last evaluated: 2023-09-19. Review status: criteria provided, single submitter. Criteria: LabCorp Variant Classification Summary - May 2015. Collection method: clinical testing. Allele origin: germline.
Comment: Variant summary: CASR c.1522G>A (p.Val508Ile) results in a conservative amino acid change in the encoded protein sequence. Three of five in-silico tools predict a benign effect of the variant on protein function. The variant allele was found at a frequency of 1.2e-05 in 251452 control chromosomes (gnomAD). The available data on variant occurrences in the general population are insufficient to allow any conclusion about variant significance. To our knowledge, no occurrence of c.1522G>A in individuals affected with Autosomal Dominant Hypocalcemia and no experimental evidence demonstrating its impact on protein function have been reported. One submitter has cited clinical-significance assessments for this variant to ClinVar after 2014 and has classified the variant as uncertain significance. Based on the evidence outlined above, the variant was classified as uncertain significance.

Ambry Genetics
Classification: Uncertain significance for Nephrolithiasis/nephrocalcinosis. Last evaluated: 2022-08-28. Review status: criteria provided, single submitter. Criteria: Ambry Variant Classification Scheme 2023. Collection method: clinical testing. Allele origin: germline.
Comment: The p.V508I variant (also known as c.1522G>A), located in coding exon 4 of the CASR gene, results from a G to A substitution at nucleotide position 1522. The valine at codon 508 is replaced by isoleucine, an amino acid with highly similar properties. This amino acid position is conserved. In addition, the in silico prediction for this alteration is inconclusive. Since supporting evidence is limited at this time, the clinical significance of this alteration remains unclear.